The following is an entry in ClinVar:

NM_004320.6(ATP2A1):c.667G>A (p.Val223Met)

Gene: ATP2A1 (ATPase sarcoplasmic/endoplasmic reticulum Ca2+ transporting 1; plus strand). Cytogenetic location: 16p11.2.
Variant type: single nucleotide variant.
Coding change: c.667G>A on transcript NM_004320.6 (MANE Select); coding-DNA position 667, G replaced by A.
Protein change: p.Val223Met; replaces valine 223 with methionine.
Molecular consequence: missense variant.
Genome position (GRCh38, 1-based): chr16:28,887,461, G>A. VCF-style: chr16-28887461-G-A. GRCh37 (hg19) VCF-style: chr16-28898782-G-A.
Other names: c.292G>A, p.Val98Met (NM_001286075.2); c.667G>A, p.Val223Met (NM_173201.5); short protein forms V223M, V98M.
Identifiers: ClinVar variation 1031712 (VCV001031712.1), dbSNP rs767886671, ClinGen allele CA7986745.

ClinVar aggregate classification (germline): Uncertain significance (1 of 4 stars; one submission).

Conditions:
Brody myopathy. Also called: BRODY DISEASE. Identifiers: Orphanet 53347, MedGen C1832918, MONDO:0010977, OMIM 601003.

Allele frequency attached by ClinVar (database versions not stated): gnomAD exomes below 0.00001; ExAC 0.00001.
gnomAD v4.1: 7 of 1,613,936 alleles (0.00043%); highest among the groups gnomAD compares: Non-Finnish European, 0.00051%; no homozygotes.

Submission:

Baylor Genetics
Classification: Uncertain significance for Brody myopathy. Last evaluated: 2018-03-20. Review status: criteria provided, single submitter. Criteria: ACMG Guidelines, 2015. Collection method: clinical testing. Allele origin: maternal. Affected: yes.
Comment: This variant was determined to be of uncertain significance according to ACMG Guidelines, 2015 [PMID:25741868]. This variant has been previously reported in a family with Brody myopathy [PMID 10914677]

Literature cited by the submitters: PubMed 10914677.